The following is an entry in ClinVar:

ClinVar aggregate classification (germline): Uncertain significance (1 of 4 stars; one submission).

Conditions:
Autosomal recessive limb-girdle muscular dystrophy type 2W (MDRCMTT). Also called: Muscular dystrophy, limb-girdle, type 2W; Muscular dystrophy, autosomal recessive, with cardiomyopathy and triangular tongue. Identifiers: MedGen C4225192, MONDO:0014788, OMIM 616827.

gnomAD v4.1: 7 of 1,588,502 alleles (0.00044%); highest among the groups gnomAD compares: Admixed American, 0.0069%; 1 homozygote.

Submission:

Labcorp Genetics (formerly Invitae), Labcorp
Classification: Uncertain significance for Autosomal recessive limb-girdle muscular dystrophy type 2W. Last evaluated: 2025-09-24. Review status: criteria provided, single submitter. Criteria: Invitae Variant Classification Sherloc (09022015). Collection method: clinical testing. Allele origin: germline.
Comment: This sequence change replaces leucine, which is neutral and non-polar, with phenylalanine, which is neutral and non-polar, at codon 206 of the LIMS2 protein (p.Leu206Phe). This variant is present in population databases (rs757157375, gnomAD no frequency). This variant has not been reported in the literature in individuals affected with LIMS2-related conditions. Invitae Evidence Modeling of protein sequence and biophysical properties (such as structural, functional, and spatial information, amino acid conservation, physicochemical variation, residue mobility, and thermodynamic stability) indicates that this missense variant is expected to disrupt LIMS2 protein function with a positive predictive value of 80%. In summary, the available evidence is currently insufficient to determine the role of this variant in disease. Therefore, it has been classified as a Variant of Uncertain Significance.

NM_001161403.3(LIMS2):c.550C>T (p.Leu184Phe)

Gene: LIMS2 (LIM zinc finger domain containing 2; minus strand). Cytogenetic location: 2q14.3.
Variant type: single nucleotide variant.
Coding change: c.550C>T on transcript NM_001161403.3 (MANE Select); coding-DNA position 550, C replaced by T.
Protein change: p.Leu184Phe; replaces leucine 184 with phenylalanine.
Molecular consequence: missense variant.
Genome position (GRCh38, 1-based): chr2:127,642,159, G>A on the plus strand (C>T on the coding strand, the complement: LIMS2 is on the minus strand). VCF-style: chr2-127642159-G-A. GRCh37 (hg19) VCF-style: chr2-128399734-G-A.
Other names: c.535C>T, p.Leu179Phe (NM_001161404.2); c.94C>T, p.Leu32Phe (NM_001256542.2); c.622C>T, p.Leu208Phe (NM_017980.5); c.616C>T, p.Leu206Phe (NM_001136037.4); short protein forms L179F, L184F, L206F, L208F, L32F.
Identifiers: ClinVar variation 4809931 (VCV004809931.1).